The following is an entry in ClinVar:

NM_000059.4(BRCA2):c.7605T>G (p.Cys2535Trp)

Gene: BRCA2 (BRCA2 DNA repair associated; plus strand). Cytogenetic location: 13q13.1.
Variant type: single nucleotide variant.
Coding change: c.7605T>G on transcript NM_000059.4 (MANE Select); coding-DNA position 7605, T replaced by G.
Protein change: p.Cys2535Trp; replaces cysteine 2535 with tryptophan.
Molecular consequence: missense variant.
Genome position (GRCh38, 1-based): chr13:32,356,597, T>G. VCF-style: chr13-32356597-T-G. GRCh37 (hg19) VCF-style: chr13-32930734-T-G.
Other names: short protein forms C2535W.
Identifiers: ClinVar variation 409443 (VCV000409443.28), dbSNP rs966152147, ClinGen allele CA16614351.
Genomic context (GRCh38, chr13:32,356,597, plus strand): 5'-ATCCACTCTGCCTCGAATCTCTCTGAAAGCAGCAGTAGGAGGCCAAGTTCCCTCTGCGTG[T>G]TCTCATAAACAGGTATGTGTTTGTCTACAATACTGATGGCTTTTATGACAGAGTGTAATT-3'
Protein context (NP_000050.3, residues 2525-2545): AAVGGQVPSA[Cys2535Trp]SHKQLYTYGV

ClinVar aggregate classification (germline): Conflicting classifications of pathogenicity. Review status: criteria provided, conflicting classifications (1 of 4 stars). 8 submissions from 8 submitters: Uncertain significance (6); Likely benign (2). Last evaluated 2026-05-15.

Conditions:
Hereditary cancer-predisposing syndrome. Also called: Hereditary Cancer Syndrome; Neoplastic Syndromes, Hereditary; Hereditary neoplastic syndrome; Tumor predisposition. Identifiers: Orphanet 140162, MedGen C0027672, MeSH D009386, MONDO:0015356.
Breast-ovarian cancer, familial, susceptibility to, 2 (BROVCA2). Also called: BRCA2 Hereditary Breast and Ovarian Cancer. Identifiers: Orphanet 145, MedGen C2675520, MONDO:0012933, OMIM 612555. Disease mechanism: loss of function.
Hereditary breast ovarian cancer syndrome. Also called: Hereditary breast and ovarian cancer syndrome; Breast and ovarian cancer; Hereditary breast and ovarian cancer; Hereditary breast and ovarian cancer syndrome (HBOC); BRCA1- and BRCA2-Associated Hereditary Breast and Ovarian Cancer; Hereditary breast and/or ovarian cancer syndrome. Identifiers: Orphanet 145, MedGen C0677776, MeSH D061325, MONDO:0003582. Disease mechanism: loss of function.
Familial cancer of breast. Also called: BREAST CANCER, FAMILIAL; hereditary breast carcinoma; Hereditary breast cancer. Identifiers: Orphanet 227535, MedGen C0346153, MONDO:0016419, OMIM 114480. Disease mechanism: loss of function.

Allele frequency attached by ClinVar (database versions not stated): gnomAD exomes 0.00001 and below 0.00001; TOPMed below 0.00001.
gnomAD v4.1: 4 of 1,614,204 alleles (0.00025%); highest among the groups gnomAD compares: Non-Finnish European, 0.00025%; no homozygotes.

Submissions (8):

Myriad Genetics, Inc.
Classification: Likely benign for Breast-ovarian cancer, familial, susceptibility to, 2. Last evaluated: 2026-05-15. Review status: criteria provided, single submitter. Criteria: Myriad Autosomal Dominant, Autosomal Recessive and X-Linked Classification Criteria (2023). Collection method: clinical testing. Allele origin: unknown.
Comment: This variant is considered likely benign. This variant is strongly associated with less severe personal and family histories of cancer, typical for individuals without pathogenic variants in this gene [PMID: 25085752].

Labcorp Genetics (formerly Invitae), Labcorp
Classification: Uncertain significance for Hereditary breast ovarian cancer syndrome. Last evaluated: 2025-07-30. Review status: criteria provided, single submitter. Criteria: Invitae Variant Classification Sherloc (09022015). Collection method: clinical testing. Allele origin: germline.
Comment: This sequence change replaces cysteine, which is neutral and slightly polar, with tryptophan, which is neutral and slightly polar, at codon 2535 of the BRCA2 protein (p.Cys2535Trp). This variant is present in population databases (no rsID available, gnomAD 0.002%). This variant has not been reported in the literature in individuals affected with BRCA2-related conditions. ClinVar contains an entry for this variant (Variation ID: 409443). Invitae Evidence Modeling of protein sequence and biophysical properties (such as structural, functional, and spatial information, amino acid conservation, physicochemical variation, residue mobility, and thermodynamic stability) indicates that this missense variant is not expected to disrupt BRCA2 protein function with a negative predictive value of 95%. In summary, the available evidence is currently insufficient to determine the role of this variant in disease. Therefore, it has been classified as a Variant of Uncertain Significance.

Color Diagnostics, LLC DBA Color Health
Classification: Uncertain significance for Hereditary cancer-predisposing syndrome. Last evaluated: 2025-05-20. Review status: criteria provided, single submitter. Criteria: ACMG Guidelines, 2015. Collection method: clinical testing. Allele origin: germline.
Comment: This missense variant replaces cysteine with tryptophan at codon 2535 of the BRCA2 protein. Computational prediction is inconclusive regarding the impact of this variant on protein structure and function. Functional studies have reported that this variant does not impact BRCA2 function in a haploid cell proliferation assay (PMID: 39779857) and in cisplatin and PARP inhibitor sensitivity assays (PMID: 39779848). A multifactorial analysis has reported a likelihood ratio for pathogenicity based on personal and family history of 1.074 from log(LR)=0.0310 for one carrier (PMID: 31853058). This variant has been identified in 2/250774 chromosomes in the general population by the Genome Aggregation Database (gnomAD). The available evidence is insufficient to determine the role of this variant in disease conclusively. Therefore, this variant is classified as a Variant of Uncertain Significance.

Ambry Genetics
Classification: Likely benign for Hereditary cancer-predisposing syndrome. Last evaluated: 2025-04-29. Review status: criteria provided, single submitter. Criteria: Ambry Variant Classification Scheme 2023. Collection method: clinical testing. Allele origin: germline.

Women's Health and Genetics/Laboratory Corporation of America, LabCorp
Classification: Uncertain significance. Last evaluated: 2024-12-19. Review status: criteria provided, single submitter. Criteria: LabCorp Variant Classification Summary - May 2015. Collection method: clinical testing. Allele origin: germline.

Baylor Genetics
Classification: Uncertain significance for Familial cancer of breast. Last evaluated: 2024-03-21. Review status: criteria provided, single submitter. Criteria: ACMG Guidelines, 2015. Collection method: clinical testing. Allele origin: unknown.

All of Us Research Program, National Institutes of Health
Classification: Uncertain significance for Breast-ovarian cancer, familial, susceptibility to, 2. Last evaluated: 2023-04-03. Review status: criteria provided, single submitter. Criteria: ACMG Guidelines, 2015. Collection method: clinical testing. Allele origin: germline. Inheritance: Autosomal dominant inheritance. Observed: 1 variant allele, 1 heterozygote.
Comment: This missense variant replaces cysteine with tryptophan at codon 2535 of the BRCA2 protein. Computational prediction is inconclusive regarding the impact of this variant on protein structure and function (internally defined REVEL score threshold 0.5 < inconclusive < 0.7, PMID: 27666373). To our knowledge, functional studies have not been reported for this variant. This variant has not been reported in individuals affected with BRCA2-related disorders in the literature. This variant has been identified in 2/250774 chromosomes in the general population by the Genome Aggregation Database (gnomAD). The available evidence is insufficient to determine the role of this variant in disease conclusively. Therefore, this variant is classified as a Variant of Uncertain Significance.

This study involves interpretation of variants in research participants for the purpose of population health screening. Participant phenotype was not available at the time of variant classification. Additional details can be found in publication PMID: 35346344, PMCID: PMC8962531

GeneDx
Classification: Uncertain significance. Last evaluated: 2020-08-07. Review status: criteria provided, single submitter. Criteria: GeneDx Variant Classification Process June 2021. Collection method: clinical testing. Allele origin: germline. Affected: yes.
Comment: Not observed at a significant frequency in large population cohorts (Lek et al., 2016); In silico analysis supports that this missense variant has a deleterious effect on protein structure/function; Has not been previously published as pathogenic or benign to our knowledge

Literature cited by the submitters: PubMed 25085752 (cited by Myriad Genetics, Inc.); PubMed 31853058 (cited by Color Diagnostics, LLC DBA Color Health); PubMed 39779848 (cited by Color Diagnostics, LLC DBA Color Health); PubMed 39779857 (cited by Color Diagnostics, LLC DBA Color Health).